The following is an entry in ClinVar:

NM_014516.4(CNOT3):c.910G>A (p.Gly304Ser)

Gene: CNOT3 (CCR4-NOT transcription complex subunit 3; plus strand). Cytogenetic location: 19q13.42.
Variant type: single nucleotide variant.
Coding change: c.910G>A on transcript NM_014516.4 (MANE Select); coding-DNA position 910, G replaced by A.
Protein change: p.Gly304Ser; replaces glycine 304 with serine.
Molecular consequence: missense variant.
Genome position (GRCh38, 1-based): chr19:54,148,163, G>A. VCF-style: chr19-54148163-G-A. GRCh37 (hg19) VCF-style: chr19-54651898-G-A.
Other names: c.910G>A (NM_014516.3); short protein forms G304S.
Identifiers: ClinVar variation 808650 (VCV000808650.52), dbSNP rs149108037, ClinGen allele CA309339540.

ClinVar aggregate classification (germline): Conflicting classifications of pathogenicity. Review status: criteria provided, conflicting classifications (1 of 4 stars). 8 submissions from 8 submitters: Uncertain significance (1); Likely benign (4). 3 of the submissions do not count toward it. Last evaluated 2026-01-12.

Conditions:
Moyamoya angiopathy with developmental delay.
Complex neurodevelopmental disorder. Identifiers: Orphanet 528084, MedGen C5568766, MONDO:0100038.
Inborn genetic diseases. Identifiers: MedGen C0950123, MeSH D030342.

Allele frequency attached by ClinVar (database versions not stated): 1000 Genomes Project 30x 0.00016; 1000 Genomes Project 0.00020; gnomAD exomes 0.00046 and 0.00067; gnomAD 0.00050 and 0.00051; TOPMed 0.00050; ESP Exome Variant Server 0.00054; ExAC 0.00117.
gnomAD v4.1: 986 of 1,520,674 alleles (0.065%); highest among the groups gnomAD compares: Non-Finnish European, 0.078%; no homozygotes.

Submissions (8):

Labcorp Genetics (formerly Invitae), Labcorp
Classification: Likely benign. Last evaluated: 2026-01-12. Review status: criteria provided, single submitter. Criteria: Invitae Variant Classification Sherloc (09022015). Collection method: clinical testing. Allele origin: germline.

CeGaT Center for Human Genetics Tuebingen
Classification: Likely benign. Last evaluated: 2025-10-01. Review status: criteria provided, single submitter. Criteria: CeGaT Center For Human Genetics Tuebingen Variant Classification Criteria Version 2. Collection method: clinical testing. Allele origin: germline. Affected: yes. Observed: 4 variant alleles.
Comment: CNOT3: BS1

Department of Pathology and Laboratory Medicine, Sinai Health System
Classification: Likely benign for complex neurodevelopmental disorder. Last evaluated: 2023-01-30. Review status: criteria provided, single submitter. Criteria: ACMG Guidelines, 2015. Collection method: research. Allele origin: germline.

Mendelics
Classification: Uncertain significance. Last evaluated: 2022-05-04. Review status: criteria provided, single submitter. Criteria: Mendelics Assertion Criteria 2019. Collection method: clinical testing. Allele origin: germline.

Ambry Genetics
Classification: Likely benign for Inborn genetic diseases. Last evaluated: 2022-03-07. Review status: criteria provided, single submitter. Criteria: Ambry Variant Classification Scheme 2023. Collection method: clinical testing. Allele origin: germline.

Diagnostic Laboratory, Department of Genetics, University Medical Center Groningen
Classification: Likely benign. Review status: no assertion criteria provided. Collection method: clinical testing. Allele origin: germline. Affected: yes. Study: VKGL Data-share Consensus. Not counted in ClinVar's aggregate classification.

Laboratory of Diagnostic Genome Analysis, Leiden University Medical Center (LUMC)
Classification: Likely benign. Review status: no assertion criteria provided. Collection method: clinical testing. Allele origin: germline. Affected: yes. Study: VKGL Data-share Consensus. Not counted in ClinVar's aggregate classification.

University of Washington Center for Mendelian Genomics, University of Washington
Classification: Likely pathogenic for Moyamoya angiopathy with developmental delay. Review status: no assertion criteria provided. Collection method: research. Allele origin: inherited, unknown. Affected: yes. Not counted in ClinVar's aggregate classification.

Literature cited by the submitters: PubMed 31474762 (cited by University of Washington Center for Mendelian Genomics, University of Washington).